The following is an entry in ClinVar:

NM_020806.5(GPHN):c.2083T>A (p.Ser695Thr)

Gene: GPHN (gephyrin; plus strand). Cytogenetic location: 14q23.3.
Variant type: single nucleotide variant.
Coding change: c.2083T>A on transcript NM_020806.5 (MANE Select); coding-DNA position 2083, T replaced by A.
Protein change: p.Ser695Thr; replaces serine 695 with threonine.
Molecular consequence: missense variant.
Genome position (GRCh38, 1-based): chr14:67,179,581, T>A. VCF-style: chr14-67179581-T-A. GRCh37 (hg19) VCF-style: chr14-67646298-T-A.
Other names: c.1984T>A, p.Ser662Thr (NM_001024218.2); c.2143T>A, p.Ser715Thr (NM_001377514.1); c.2113T>A, p.Ser705Thr (NM_001377515.1); c.2104T>A, p.Ser702Thr (NM_001377516.1); c.2056T>A, p.Ser686Thr (NM_001377517.1); c.2041T>A, p.Ser681Thr (NM_001377518.1); c.2023T>A, p.Ser675Thr (NM_001377519.1); short protein forms S695T, S715T, S662T, S686T, S702T, S675T, S681T, S705T.
Identifiers: ClinVar variation 2094684 (VCV002094684.4), dbSNP rs2544477973, ClinGen allele CA390122251.

ClinVar aggregate classification (germline): Uncertain significance (1 of 4 stars; one submission).

Conditions:
Sulfite oxidase deficiency due to molybdenum cofactor deficiency type C. Also called: Molybdenum cofactor deficiency, complementation group C; Molybdenum cofactor deficiency C. Identifiers: Orphanet 308400, Orphanet 833, MedGen C1854990, MONDO:0014212, OMIM 615501.

Allele frequency attached by ClinVar (database versions not stated): gnomAD exomes below 0.00001.

Submission:

Labcorp Genetics (formerly Invitae), Labcorp
Classification: Uncertain significance for Sulfite oxidase deficiency due to molybdenum cofactor deficiency type C. Last evaluated: 2023-12-18. Review status: criteria provided, single submitter. Criteria: Invitae Variant Classification Sherloc (09022015). Collection method: clinical testing. Allele origin: germline.
Comment: This sequence change replaces serine, which is neutral and polar, with threonine, which is neutral and polar, at codon 695 of the GPHN protein (p.Ser695Thr). This variant is not present in population databases (gnomAD no frequency). This variant has not been reported in the literature in individuals affected with GPHN-related conditions. ClinVar contains an entry for this variant (Variation ID: 2094684). Advanced modeling of protein sequence and biophysical properties (such as structural, functional, and spatial information, amino acid conservation, physicochemical variation, residue mobility, and thermodynamic stability) performed at Invitae indicates that this missense variant is not expected to disrupt GPHN protein function with a negative predictive value of 80%. In summary, the available evidence is currently insufficient to determine the role of this variant in disease. Therefore, it has been classified as a Variant of Uncertain Significance.